The following is an entry in ClinVar:

ClinVar aggregate classification (germline): Uncertain significance. Review status: criteria provided, multiple submitters, no conflicts (2 of 4 stars). 2 submissions from 2 submitters: Uncertain significance (2). Last evaluated 2026-05-11.

Conditions:
VPS13B-related disorder. Also called: VPS13B-related condition.
Cohen syndrome (COH1). Also called: PEPPER SYNDROME; Cutis verticis gyrata, retinitis pigmentosa, and sensorineural deafness. Identifiers: Orphanet 193, MedGen C0265223, MONDO:0008999, OMIM 216550.

Allele frequency attached by ClinVar (database versions not stated): gnomAD exomes below 0.00001.
gnomAD v4.1: 4 of 1,614,060 alleles (0.00025%); highest among the groups gnomAD compares: Middle Eastern, 0.017%; no homozygotes.

Submissions (2):

PreventionGenetics, part of Exact Sciences
Classification: Uncertain significance for VPS13B-related condition. Last evaluated: 2026-05-11. Review status: criteria provided, single submitter. Criteria: ACMG Guidelines, 2015. Collection method: clinical testing. Allele origin: germline.
Comment: The VPS13B c.10841A>G variant is predicted to result in the amino acid substitution p.Tyr3614Cys. To our knowledge, this variant has not been reported in the literature. This variant is reported in 0.00088% of alleles in individuals of European (non-Finnish) descent in gnomAD. At this time, the clinical significance of this variant is uncertain due to the absence of conclusive functional and genetic evidence.

Labcorp Genetics (formerly Invitae), Labcorp
Classification: Uncertain significance for Cohen syndrome. Last evaluated: 2022-03-19. Review status: criteria provided, single submitter. Criteria: Invitae Variant Classification Sherloc (09022015). Collection method: clinical testing. Allele origin: germline.
Comment: This sequence change replaces tyrosine, which is neutral and polar, with cysteine, which is neutral and slightly polar, at codon 3639 of the VPS13B protein (p.Tyr3639Cys). This variant is present in population databases (no rsID available, gnomAD 0.0009%). This variant has not been reported in the literature in individuals affected with VPS13B-related conditions. Algorithms developed to predict the effect of missense changes on protein structure and function are either unavailable or do not agree on the potential impact of this missense change (SIFT: "Not Available"; PolyPhen-2: "Possibly Damaging"; Align-GVGD: "Not Available"). In summary, the available evidence is currently insufficient to determine the role of this variant in disease. Therefore, it has been classified as a Variant of Uncertain Significance.

NM_152564.5(VPS13B):c.10841A>G (p.Tyr3614Cys)

Gene: VPS13B (vacuolar protein sorting 13 homolog B; plus strand). Cytogenetic location: 8q22.2.
Variant type: single nucleotide variant.
Coding change: c.10841A>G on transcript NM_152564.5 (MANE Select); coding-DNA position 10841, A replaced by G.
Protein change: p.Tyr3614Cys; replaces tyrosine 3614 with cysteine.
Molecular consequence: missense variant.
Genome position (GRCh38, 1-based): chr8:99,854,230, A>G. VCF-style: chr8-99854230-A-G. GRCh37 (hg19) VCF-style: chr8-100866458-A-G.
Other names: c.10916A>G, p.Tyr3639Cys (NM_017890.5); short protein forms Y3614C, Y3639C.
Identifiers: ClinVar variation 2158007 (VCV002158007.3), dbSNP rs1215467176, ClinGen allele CA371786338.